The following is an entry in ClinVar:

ClinVar aggregate classification (germline): Conflicting classifications of pathogenicity. Review status: criteria provided, conflicting classifications (1 of 4 stars). 4 submissions from 4 submitters: Uncertain significance (2); Benign (1); Likely benign (1). Last evaluated 2026-04-14.

Conditions:
ABCB11-related disorder. Also called: ABCB11-related condition.
Familial intrahepatic cholestasis. Identifiers: Orphanet 284385, MedGen CN296401, MONDO:0017290.

Allele frequency attached by ClinVar (database versions not stated): gnomAD exomes 0.00003 and 0.00018; gnomAD 0.00005; ExAC 0.00010; TOPMed 0.00010.

Submissions (4):

Genomenon, Inc
Classification: Likely benign for Familial intrahepatic cholestasis. Last evaluated: 2026-04-14. Review status: criteria provided, single submitter. Criteria: Genomenon Sequence Variant Interpretation Standards - Updated. Collection method: curation. Allele origin: germline. Affected: yes.
Comment: ABCB11 c.3214-6C>G is an intronic variant located in the acceptor splice region of intron 24. This variant has been observed in at least one proband with an ABCB11-related disorder (PMID:19845854). In silico models predict that this variant is possibly or probably damaging. This variant's allele frequency in gnomAD is greater than expected for this disorder. In conclusion, we classify ABCB11 c.3214-6C>G as a likely benign variant.

Labcorp Genetics (formerly Invitae), Labcorp
Classification: Benign. Last evaluated: 2025-12-16. Review status: criteria provided, single submitter. Criteria: Invitae Variant Classification Sherloc (09022015). Collection method: clinical testing. Allele origin: germline.

PreventionGenetics, part of Exact Sciences
Classification: Uncertain significance for ABCB11-related condition. Last evaluated: 2023-07-13. Review status: criteria provided, single submitter. Criteria: ACMG Guidelines, 2015. Collection method: clinical testing. Allele origin: germline.
Comment: The ABCB11 c.3214-6C>G variant is predicted to interfere with splicing. This variant has been previously reported in the compound heterozygous state in an individual with progressive intrahepatic cholestasis (Table 1, Liu et al. 2010. PubMed ID: 19845854). This variant is reported in 0.23% of alleles in individuals of East Asian descent in gnomAD. At this time, the clinical significance of this variant is uncertain due to the absence of conclusive functional and genetic evidence.

Eurofins Ntd Llc (ga)
Classification: Uncertain significance. Last evaluated: 2017-09-12. Review status: criteria provided, single submitter. Criteria: EGL Classification Definitions 2015. Collection method: clinical testing. Allele origin: germline. Observed: 2 variant alleles, 2 heterozygotes.

Literature cited by the submitters: PubMed 19845854 (cited by Genomenon, Inc).

NM_003742.4(ABCB11):c.3214-6C>G

Gene: ABCB11 (ATP binding cassette subfamily B member 11; minus strand). Cytogenetic location: 2q31.1.
Variant type: single nucleotide variant.
Coding change: c.3214-6C>G on transcript NM_003742.4 (MANE Select); 6 bases into the intron before coding-DNA position 3214, C replaced by G.
Molecular consequence: intron variant.
Genome position (GRCh38, 1-based): chr2:168,930,868, G>C on the plus strand (C>G on the coding strand, the complement: ABCB11 is on the minus strand). VCF-style: chr2-168930868-G-C. GRCh37 (hg19) VCF-style: chr2-169787378-G-C.
Other names: c.3214-6C>G (LRG_1199t1).
Identifiers: ClinVar variation 594054 (VCV000594054.18), dbSNP rs750991541, ClinGen allele CA1951066.
Genomic context (GRCh38, chr2:168,930,868, plus strand): 5'-GAGAAGGATATGTAAATTTACAATCAACAAAATCAATCTTCCCCTGGAAGTTGTCCTGTG[G>C]ATGGGAGGATCAAAATTAGAGATGCTCTTACTGAAGCCTAGAATATTGAAAACACACCTA-3'